The following is an entry in ClinVar:

ClinVar aggregate classification (germline): Uncertain significance (1 of 4 stars; one submission).

gnomAD v4.1: 27 of 1,571,516 alleles (0.0017%); highest among the groups gnomAD compares: South Asian, 0.0058%; no homozygotes.

Submission:

Dasa
Classification: Uncertain significance. Last evaluated: 2025-06-29. Review status: criteria provided, single submitter. Criteria: DASA Assertion Criteria. Collection method: clinical testing. Allele origin: germline.
Comment: NM_001005498.4(RHBDF2):c.2179G>A (p.Val727Met) is a missense variant that results in the substitution of valine with methionine. This variant is rare in population databases. Computational prediction algorithms are consistent with a benign effect. The currently available literature and clinical evidence are not sufficient to establish a definitive association between this variant and the reported condition. Therefore, this variant is classified as a variant of uncertain significance.

NM_001005498.4(RHBDF2):c.2179G>A (p.Val727Met)

Gene: RHBDF2 (rhomboid 5 homolog 2; minus strand). Cytogenetic location: 17q25.1.
Variant type: single nucleotide variant.
Coding change: c.2179G>A on transcript NM_001005498.4 (MANE Select); coding-DNA position 2179, G replaced by A.
Protein change: p.Val727Met; replaces valine 727 with methionine.
Molecular consequence: missense variant. On other transcripts: non-coding transcript variant (3).
Genome position (GRCh38, 1-based): chr17:76,471,938, C>T on the plus strand (G>A on the coding strand, the complement: RHBDF2 is on the minus strand). VCF-style: chr17-76471938-C-T. GRCh37 (hg19) VCF-style: chr17-74468020-C-T.
Other names: c.2179G>A, p.Val727Met (NM_001376228.1, NM_001376229.1, NM_001376230.1); c.2266G>A, p.Val756Met (NM_024599.5); short protein forms V727M, V756M.
Identifiers: ClinVar variation 4883324 (VCV004883324.2).